The following is an entry in ClinVar:

NM_004380.3(CREBBP):c.2397C>T (p.Phe799=)

Gene: CREBBP (CREB binding lysine acetyltransferase; minus strand). Cytogenetic location: 16p13.3.
Variant type: single nucleotide variant.
Coding change: c.2397C>T on transcript NM_004380.3 (MANE Select); coding-DNA position 2397, C replaced by T.
Protein change: p.Phe799=; no amino-acid change (phenylalanine 799 retained).
Molecular consequence: synonymous variant.
Genome position (GRCh38, 1-based): chr16:3,773,817, G>A on the plus strand (C>T on the coding strand, the complement: CREBBP is on the minus strand). VCF-style: chr16-3773817-G-A. GRCh37 (hg19) VCF-style: chr16-3823818-G-A.
Other names: c.2283C>T, p.Phe761= (NM_001079846.1).
Identifiers: ClinVar variation 4987573 (VCV004987573.1).
Genomic context (GRCh38, chr16:3,773,817, plus strand): 5'-CACGCCTGTTTGGGCTGGCGGCTGCCCCATGCCCACACTCATCGCCCCGCTGGATGACGG[G>A]AACTGGTTCTGTGGCAGAAACTGGCTCTGAGCGGGCGCCTGGGCCATCATGTTGTTGGTG-3'
Protein context (NP_004371.2, residues 789-809): AQSQFLPQNQ[Phe799=]PSSSGAMSVG

ClinVar aggregate classification (germline): Likely benign (1 of 4 stars; one submission).

Conditions:
CREBBP-related disorder. Also called: CREBBP-related disorders; CREBBP-related condition.

gnomAD v4.1: 2 of 1,613,200 alleles (0.00012%); highest among the groups gnomAD compares: Non-Finnish European, 0.00017%; no homozygotes.

Submission:

PreventionGenetics, part of Exact Sciences
Classification: Likely benign for CREBBP-related condition. Last evaluated: 2026-07-13. Review status: criteria provided, single submitter. Criteria: ACMG Guidelines, 2015. Collection method: clinical testing. Allele origin: germline.
Comment: This variant is classified as likely benign based on ACMG/AMP sequence variant interpretation guidelines (Richards et al. 2015 PMID: 25741868, with internal and published modifications).